The following is an entry in ClinVar:

NM_006231.4(POLE):c.5366C>T (p.Ser1789Phe)

Gene: POLE (DNA polymerase epsilon, catalytic subunit; minus strand). Cytogenetic location: 12q24.33.
Variant type: single nucleotide variant.
Coding change: c.5366C>T on transcript NM_006231.4 (MANE Select); coding-DNA position 5366, C replaced by T.
Protein change: p.Ser1789Phe; replaces serine 1789 with phenylalanine.
Molecular consequence: missense variant.
Genome position (GRCh38, 1-based): chr12:132,641,659, G>A on the plus strand (C>T on the coding strand, the complement: POLE is on the minus strand). VCF-style: chr12-132641659-G-A. GRCh37 (hg19) VCF-style: chr12-133218245-G-A.
Other names: short protein forms S1789F.
Identifiers: ClinVar variation 4844286 (VCV004844286.1).

ClinVar aggregate classification (germline): Uncertain significance (1 of 4 stars; one submission).

Conditions:
Hereditary cancer-predisposing syndrome. Also called: Neoplastic Syndromes, Hereditary; Tumor predisposition; Hereditary Cancer Syndrome; Hereditary neoplastic syndrome. Identifiers: Orphanet 140162, MedGen C0027672, MeSH D009386, MONDO:0015356.

Submission:

Ambry Genetics
Classification: Uncertain significance for Hereditary cancer-predisposing syndrome. Last evaluated: 2026-02-19. Review status: criteria provided, single submitter. Criteria: Ambry Variant Classification Scheme 2023. Collection method: clinical testing. Allele origin: germline.
Comment: The p.S1789F variant (also known as c.5366C>T), located in coding exon 39 of the POLE gene, results from a C to T substitution at nucleotide position 5366. The serine at codon 1789 is replaced by phenylalanine, an amino acid with highly dissimilar properties. This amino acid position is conserved. In addition, the in silico prediction for this alteration is inconclusive. Based on the available evidence, the clinical significance of this variant remains unclear.